The following is an entry in ClinVar:

NM_001366385.1(CARD14):c.2989G>A (p.Val997Met)

Genes: CARD14 (caspase recruitment domain family member 14; plus strand), SGSH (N-sulfoglucosamine sulfohydrolase; minus strand). Cytogenetic location: 17q25.3.
Variant type: single nucleotide variant.
Coding change: c.2989G>A on transcript NM_001366385.1 (MANE Select); coding-DNA position 2989, G replaced by A.
Protein change: p.Val997Met; replaces valine 997 with methionine.
Molecular consequence: missense variant. On other transcripts: non-coding transcript variant (1).
Genome position (GRCh38, 1-based): chr17:80,208,319, G>A. VCF-style: chr17-80208319-G-A. GRCh37 (hg19) VCF-style: chr17-78182118-G-A.
Other names: c.2989G>A, p.Val997Met (NM_024110.4); short protein forms V997M.
Identifiers: ClinVar variation 3751285 (VCV003751285.2).

ClinVar aggregate classification (germline): Uncertain significance (1 of 4 stars; one submission).

Conditions:
Pityriasis rubra pilaris (PRP). Also called: Pityriasis rubra pilaris--familial type. Identifiers: Orphanet 2897, MedGen C0032027, MONDO:0100017, OMIM 173200, MONDO:0008251.
Psoriasis 2. Identifiers: MedGen C1864497, MONDO:0011269, OMIM 602723.

Submission:

Labcorp Genetics (formerly Invitae), Labcorp
Classification: Uncertain significance for Pityriasis rubra pilaris; Psoriasis 2. Last evaluated: 2024-12-26. Review status: criteria provided, single submitter. Criteria: Invitae Variant Classification Sherloc (09022015). Collection method: clinical testing. Allele origin: germline.
Comment: This sequence change replaces valine, which is neutral and non-polar, with methionine, which is neutral and non-polar, at codon 997 of the CARD14 protein (p.Val997Met). The frequency data for this variant in the population databases is considered unreliable, as metrics indicate poor data quality at this position in the gnomAD database. This variant has not been reported in the literature in individuals affected with CARD14-related conditions. Invitae Evidence Modeling of protein sequence and biophysical properties (such as structural, functional, and spatial information, amino acid conservation, physicochemical variation, residue mobility, and thermodynamic stability) has been performed for this missense variant. However, the output from this modeling did not meet the statistical confidence thresholds required to predict the impact of this variant on CARD14 protein function. Algorithms developed to predict the effect of sequence changes on RNA splicing suggest that this variant may create or strengthen a splice site. In summary, the available evidence is currently insufficient to determine the role of this variant in disease. Therefore, it has been classified as a Variant of Uncertain Significance.